The following is an entry in ClinVar:

ClinVar aggregate classification (germline): Uncertain significance (1 of 4 stars; one submission).

Allele frequency attached by ClinVar (database versions not stated): gnomAD 0.00001; TOPMed 0.00001.
gnomAD v4.1: 85 of 1,611,128 alleles (0.0053%); highest among the groups gnomAD compares: Non-Finnish European, 0.0059%; no homozygotes.

Submission:

Women's Health and Genetics/Laboratory Corporation of America, LabCorp
Classification: Uncertain significance. Last evaluated: 2024-03-27. Review status: criteria provided, single submitter. Criteria: LabCorp Variant Classification Summary - May 2015. Collection method: clinical testing. Allele origin: germline.
Comment: Variant summary: ABCB4 c.2212A>G (p.Ile738Val) results in a conservative amino acid change in the encoded protein sequence. Four of five in-silico tools predict a benign effect of the variant on protein function. Consensus agreement among computation tools predict no significant impact on normal splicing. However, these predictions have yet to be confirmed by functional studies. The variant allele was found at a frequency of 8e-06 in 249516 control chromosomes (gnomAD). The available data on variant occurrences in the general population are insufficient to allow any conclusion about variant significance. To our knowledge, no occurrence of c.2212A>G in individuals affected with Familial Intrahepatic Cholestasis and no experimental evidence demonstrating its impact on protein function have been reported. No submitters have cited clinical-significance assessments for this variant to ClinVar. Based on the evidence outlined above, the variant was classified as uncertain significance.

NM_000443.4(ABCB4):c.2212A>G (p.Ile738Val)

Gene: ABCB4 (ATP binding cassette subfamily B member 4; minus strand). Cytogenetic location: 7q21.12.
Variant type: single nucleotide variant.
Coding change: c.2212A>G on transcript NM_000443.4 (MANE Select); coding-DNA position 2212, A replaced by G.
Protein change: p.Ile738Val; replaces isoleucine 738 with valine.
Molecular consequence: missense variant.
Genome position (GRCh38, 1-based): chr7:87,422,225, T>C on the plus strand (A>G on the coding strand, the complement: ABCB4 is on the minus strand). VCF-style: chr7-87422225-T-C. GRCh37 (hg19) VCF-style: chr7-87051541-T-C.
Other names: c.2212A>G, p.Ile738Val (NM_018849.3, NM_018850.3); short protein forms I738V.
Identifiers: ClinVar variation 3233741 (VCV003233741.2), dbSNP rs1265968550, ClinGen allele CA368063441.